The following is an entry in ClinVar:

NM_001377229.1(DISP1):c.496A>G (p.Ile166Val)

Gene: DISP1 (dispatched RND transporter family member 1; plus strand). Cytogenetic location: 1q41.
Variant type: single nucleotide variant.
Coding change: c.496A>G on transcript NM_001377229.1 (MANE Select); coding-DNA position 496, A replaced by G.
Protein change: p.Ile166Val; replaces isoleucine 166 with valine.
Molecular consequence: missense variant. On other transcripts: 5 prime UTR variant (1).
Genome position (GRCh38, 1-based): chr1:222,943,319, A>G. VCF-style: chr1-222943319-A-G. GRCh37 (hg19) VCF-style: chr1-223116661-A-G.
Other names: c.-392A>G (NM_001350630.2); c.496A>G, p.Ile166Val (NM_001369594.1, NM_001377228.1, NM_032890.5); short protein forms I166V.
Identifiers: ClinVar variation 2989021 (VCV002989021.3), dbSNP rs1674522162, ClinGen allele CA344742975.

ClinVar aggregate classification (germline): Uncertain significance (1 of 4 stars; one submission).

Allele frequency attached by ClinVar (database versions not stated): gnomAD exomes below 0.00001.
gnomAD v4.1: 2 of 1,614,278 alleles (0.00012%); highest among the groups gnomAD compares: South Asian, 0.0011%; no homozygotes.

Submission:

Labcorp Genetics (formerly Invitae), Labcorp
Classification: Uncertain significance. Last evaluated: 2024-12-02. Review status: criteria provided, single submitter. Criteria: Invitae Variant Classification Sherloc (09022015). Collection method: clinical testing. Allele origin: germline.
Comment: This sequence change replaces isoleucine, which is neutral and non-polar, with valine, which is neutral and non-polar, at codon 166 of the DISP1 protein (p.Ile166Val). This variant is not present in population databases (gnomAD no frequency). This variant has not been reported in the literature in individuals affected with DISP1-related conditions. ClinVar contains an entry for this variant (Variation ID: 2989021). An algorithm developed to predict the effect of missense changes on protein structure and function outputs the following: PolyPhen-2: "Benign". The valine amino acid residue is found in multiple mammalian species, which suggests that this missense change does not adversely affect protein function. In summary, the available evidence is currently insufficient to determine the role of this variant in disease. Therefore, it has been classified as a Variant of Uncertain Significance.